The following is an entry in ClinVar:

ClinVar aggregate classification (germline): Pathogenic (1 of 4 stars; one submission).

Conditions:
Ehlers-Danlos syndrome, musculocontractural type (EDSMC). Also called: ARTHROGRYPOSIS, DISTAL, WITH PECULIAR FACIES AND HYDRONEPHROSIS; Adducted thumb, clubfoot, progressive joint and skin laxity syndrome; DUNDAR SYNDROME; ADDUCTED THUMB-CLUBFOOT SYNDROME. Identifiers: Orphanet 2953, MedGen C1866294, MONDO:0011142.

Submission:

Labcorp Genetics (formerly Invitae), Labcorp
Classification: Pathogenic for Ehlers-Danlos syndrome, musculocontractural type. Last evaluated: 2022-05-31. Review status: criteria provided, single submitter. Criteria: Invitae Variant Classification Sherloc (09022015). Collection method: clinical testing. Allele origin: germline.
Comment: For these reasons, this variant has been classified as Pathogenic. This variant disrupts a region of the CHST14 protein in which other variant(s) (p.Pro281Leu) have been determined to be pathogenic (PMID: 20533528). This suggests that this is a clinically significant region of the protein, and that variants that disrupt it are likely to be disease-causing. This variant has not been reported in the literature in individuals affected with CHST14-related conditions. This variant is not present in population databases (gnomAD no frequency). This sequence change creates a premature translational stop signal (p.Lys89Serfs*55) in the CHST14 gene. While this is not anticipated to result in nonsense mediated decay, it is expected to disrupt the last 288 amino acid(s) of the CHST14 protein.

Literature cited by the submitters: PubMed 20533528.

NM_130468.4(CHST14):c.264del (p.Lys89fs)

Gene: CHST14 (carbohydrate sulfotransferase 14; plus strand). Cytogenetic location: 15q15.1.
Variant type: Deletion.
Coding change: c.264del on transcript NM_130468.4 (MANE Select); coding-DNA position 264, one base deleted (C; older notation c.264delC).
Protein change: p.Lys89fs; shifts the reading frame from lysine 89.
Molecular consequence: frameshift variant.
Genome position (GRCh38, 1-based): chr15:40,471,477, C deleted; the last of 5 consecutive C bases (chr15:40,471,473-40,471,477); deleting any one gives the same sequence. VCF-style (leftmost placement, unchanged base first): chr15-40471472-GC-G. GRCh37 (hg19) VCF-style: chr15-40763671-GC-G.
Other names: short protein forms K89fs.
Identifiers: ClinVar variation 1949857 (VCV001949857.5), dbSNP rs2543005630, ClinGen allele CA2575679822.